The following is an entry in ClinVar:

NM_001854.4(COL11A1):c.5357A>G (p.Asn1786Ser)

Gene: COL11A1 (collagen type XI alpha 1 chain; minus strand). Cytogenetic location: 1p21.1.
Variant type: single nucleotide variant.
Coding change: c.5357A>G on transcript NM_001854.4 (MANE Select); coding-DNA position 5357, A replaced by G.
Protein change: p.Asn1786Ser; replaces asparagine 1786 with serine.
Molecular consequence: missense variant. On other transcripts: non-coding transcript variant (1).
Genome position (GRCh38, 1-based): chr1:102,878,083, T>C on the plus strand (A>G on the coding strand, the complement: COL11A1 is on the minus strand). VCF-style: chr1-102878083-T-C. GRCh37 (hg19) VCF-style: chr1-103343639-T-C.
Other names: c.5240A>G, p.Asn1747Ser (NM_001190709.2); c.5393A>G, p.Asn1798Ser (NM_080629.3); c.5009A>G, p.Asn1670Ser (NM_080630.4); short protein forms N1670S, N1747S, N1786S, N1798S.
Identifiers: ClinVar variation 3834942 (VCV003834942.2).

ClinVar aggregate classification (germline): Uncertain significance. Review status: criteria provided, multiple submitters, no conflicts (2 of 4 stars). 2 submissions from 2 submitters: Uncertain significance (2). Last evaluated 2025-09-08.

Conditions:
Inborn genetic diseases. Identifiers: MedGen C0950123, MeSH D030342.

gnomAD v4.1: 25 of 1,613,714 alleles (0.0015%); highest among the groups gnomAD compares: Non-Finnish European, 0.002%; no homozygotes.

Submissions (2):

Labcorp Genetics (formerly Invitae), Labcorp
Classification: Uncertain significance. Last evaluated: 2025-09-08. Review status: criteria provided, single submitter. Criteria: Invitae Variant Classification Sherloc (09022015). Collection method: clinical testing. Allele origin: germline.
Comment: This sequence change replaces asparagine, which is neutral and polar, with serine, which is neutral and polar, at codon 1786 of the COL11A1 protein (p.Asn1786Ser). This variant is present in population databases (no rsID available, gnomAD 0.0009%). This variant has not been reported in the literature in individuals affected with COL11A1-related conditions. ClinVar contains an entry for this variant (Variation ID: 3834942). Invitae Evidence Modeling of protein sequence and biophysical properties (such as structural, functional, and spatial information, amino acid conservation, physicochemical variation, residue mobility, and thermodynamic stability) indicates that this missense variant is not expected to disrupt COL11A1 protein function with a negative predictive value of 80%. In summary, the available evidence is currently insufficient to determine the role of this variant in disease. Therefore, it has been classified as a Variant of Uncertain Significance.

Ambry Genetics
Classification: Uncertain significance for Inborn genetic diseases. Last evaluated: 2025-01-07. Review status: criteria provided, single submitter. Criteria: Ambry Variant Classification Scheme 2023. Collection method: clinical testing. Allele origin: germline.